The following is an entry in ClinVar:

ClinVar aggregate classification (germline): Uncertain significance (1 of 4 stars; one submission).

Conditions:
Autosomal recessive limb-girdle muscular dystrophy type 2A (LGMDR1). Also called: MUSCULAR DYSTROPHY, PELVOFEMORAL; Limb-girdle muscular dystrophy, type 2A; Muscular dystrophy, limb-girdle, type 2A, Amish; Calpainopathy; LEYDEN-MOEBIUS MUSCULAR DYSTROPHY. Identifiers: Orphanet 267, MedGen C1869123, MONDO:0009675, OMIM 253600. Disease mechanism: loss of function.

Allele frequency attached by ClinVar (database versions not stated): gnomAD exomes below 0.00001.
gnomAD v4.1: 1 of 1,614,044 alleles (0.000062%); highest among the groups gnomAD compares: Non-Finnish European, 0.000085%; no homozygotes.

Submission:

Labcorp Genetics (formerly Invitae), Labcorp
Classification: Uncertain significance for Autosomal recessive limb-girdle muscular dystrophy type 2A. Last evaluated: 2021-03-09. Review status: criteria provided, single submitter. Criteria: Invitae Variant Classification Sherloc (09022015). Collection method: clinical testing. Allele origin: germline.
Comment: This variant is not present in population databases (ExAC no frequency). This sequence change replaces methionine with isoleucine at codon 294 of the CAPN3 protein (p.Met294Ile). The methionine residue is moderately conserved and there is a small physicochemical difference between methionine and isoleucine. This variant has not been reported in the literature in individuals with CAPN3-related conditions. Algorithms developed to predict the effect of missense changes on protein structure and function (SIFT, PolyPhen-2, Align-GVGD) all suggest that this variant is likely to be tolerated, but these predictions have not been confirmed by published functional studies and their clinical significance is uncertain. In summary, the available evidence is currently insufficient to determine the role of this variant in disease. Therefore, it has been classified as a Variant of Uncertain Significance.

NM_000070.3(CAPN3):c.882G>A (p.Met294Ile)

Gene: CAPN3 (calpain 3; plus strand). Cytogenetic location: 15q15.1.
Variant type: single nucleotide variant.
Coding change: c.882G>A on transcript NM_000070.3 (MANE Select); coding-DNA position 882, G replaced by A.
Protein change: p.Met294Ile; replaces methionine 294 with isoleucine.
Molecular consequence: missense variant. On other transcripts: intron variant (1).
Genome position (GRCh38, 1-based): chr15:42,390,033, G>A. VCF-style: chr15-42390033-G-A. GRCh37 (hg19) VCF-style: chr15-42682231-G-A.
Other names: c.882G>A, p.Met294Ile (NM_024344.2); c.801+937G>A (NM_173087.2); short protein forms M294I.
Identifiers: ClinVar variation 1400894 (VCV001400894.8), dbSNP rs2141170446, ClinGen allele CA391998594.
Genomic context (GRCh38, chr15:42,390,033, plus strand): 5'-TGGAACCTCTCCTTCTGGTCTGAACATGGGGGAGTTGATTGCACGGATGGTAAGGAATAT[G>A]GATAACTCACTGCTCCAGGACTCAGACCTCGACCCCAGAGGCTCAGATGAAAGACCGACC-3'
Protein context (NP_000061.1, residues 284-304): GELIARMVRN[Met294Ile]DNSLLQDSDL